The following is an entry in ClinVar:

ClinVar aggregate classification (germline): Likely pathogenic (1 of 4 stars; one submission).

Conditions:
Early-infantile DEE. Also called: Early infantile epileptic encephalopathy with suppression bursts; Early infantile epileptic encephalopathy; Ohtahara syndrome. Identifiers: Orphanet 1934, MedGen C0393706, MONDO:0800491.

Submission:

Labcorp Genetics (formerly Invitae), Labcorp
Classification: Likely pathogenic for Early-infantile DEE. Last evaluated: 2025-07-27. Review status: criteria provided, single submitter. Criteria: Invitae Variant Classification Sherloc (09022015). Collection method: clinical testing. Allele origin: germline.
Comment: This sequence change replaces methionine, which is neutral and non-polar, with leucine, which is neutral and non-polar, at codon 1555 of the SCN1A protein (p.Met1555Leu). This variant is not present in population databases (gnomAD no frequency). This variant has not been reported in the literature in individuals affected with SCN1A-related conditions. Invitae Evidence Modeling of protein sequence and biophysical properties (such as structural, functional, and spatial information, amino acid conservation, physicochemical variation, residue mobility, and thermodynamic stability) indicates that this missense variant is expected to disrupt SCN1A protein function with a positive predictive value of 95%. This variant disrupts the p.Met1555 amino acid residue in SCN1A. Other variant(s) that disrupt this residue have been determined to be pathogenic (PMID: 23195492). This suggests that this residue is clinically significant, and that variants that disrupt this residue are likely to be disease-causing. In summary, the currently available evidence indicates that the variant is pathogenic, but additional data are needed to prove that conclusively. Therefore, this variant has been classified as Likely Pathogenic.

Literature cited by the submitters: PubMed 23195492.

NM_001165963.4(SCN1A):c.4663A>T (p.Met1555Leu)

Genes: SCN1A (sodium voltage-gated channel alpha subunit 1; minus strand), LOC102724058 (uncharacterized LOC102724058; plus strand). Cytogenetic location: 2q24.3.
Variant type: single nucleotide variant.
Coding change: c.4663A>T on transcript NM_001165963.4 (MANE Select); coding-DNA position 4663, A replaced by T.
Protein change: p.Met1555Leu; replaces methionine 1555 with leucine.
Molecular consequence: missense variant. On other transcripts: non-coding transcript variant (1).
Genome position (GRCh38, 1-based): chr2:165,994,335, T>A on the plus strand (A>T on the coding strand, the complement: SCN1A is on the minus strand). VCF-style: chr2-165994335-T-A. GRCh37 (hg19) VCF-style: chr2-166850845-T-A.
Other names: c.4579A>T, p.Met1527Leu (NM_001165964.3, NM_001353957.2, NM_001353958.2); c.4663A>T, p.Met1555Leu (NM_001202435.3, NM_001353948.2); c.4630A>T, p.Met1544Leu (NM_001353949.2, NM_001353950.2, NM_001353951.2 and 2 more transcripts); c.4627A>T, p.Met1543Leu (NM_001353954.2, NM_001353955.2); c.4576A>T, p.Met1526Leu (NM_001353960.2); c.2221A>T, p.Met741Leu (NM_001353961.2); short protein forms M1526L, M1527L, M1543L, M1544L, M1555L, M741L.
Identifiers: ClinVar variation 4800264 (VCV004800264.1).